The following is an entry in ClinVar:

NM_021035.3(ZNFX1):c.1871-90A>T

Gene: ZNFX1 (zinc finger NFX1-type containing 1; minus strand). Cytogenetic location: 20q13.13.
Variant type: single nucleotide variant.
Coding change: c.1871-90A>T on transcript NM_021035.3 (MANE Select); 90 bases into the intron before coding-DNA position 1871, A replaced by T.
Molecular consequence: intron variant.
Genome position (GRCh38, 1-based): chr20:49,266,356, T>A on the plus strand (A>T on the coding strand, the complement: ZNFX1 is on the minus strand). VCF-style: chr20-49266356-T-A. GRCh37 (hg19) VCF-style: chr20-47882893-T-A.
Identifiers: ClinVar variation 2688026 (VCV002688026.2), dbSNP rs238178, ClinGen allele CA14799719.

ClinVar aggregate classification (germline): Benign (1 of 4 stars; one submission).

Allele frequency attached by ClinVar (database versions not stated): 1000 Genomes Project 30x 0.59744; 1000 Genomes Project 0.60104; TOPMed 0.66351.
gnomAD v4.1: 923,745 of 1,231,814 alleles (75%); highest among the groups gnomAD compares: Non-Finnish European, 78%; 350,265 homozygotes.

Submission:

Unidad de Genómica Garrahan, Hospital de Pediatría Garrahan
Classification: Benign. Last evaluated: 2024-01-24. Review status: criteria provided, single submitter. Criteria: ACMG Guidelines, 2015. Collection method: clinical testing. Allele origin: germline. Affected: no. Observed: 65 variant alleles.
Comment: This variant is classified as Benign based on local population frequency. This variant was detected in 68% of patients studied by a panel of primary immunodeficiencies. Number of patients: 65. Only high quality variants are reported.